The following is an entry in ClinVar:

ClinVar aggregate classification (germline): Likely benign (0 of 4 stars; one submission).

Conditions:
HSPA9-related disorder. Also called: HSPA9-related condition.

Allele frequency attached by ClinVar (database versions not stated): gnomAD exomes 0.00001; ExAC 0.00002.
gnomAD v4.1: 12 of 1,600,900 alleles (0.00075%); highest among the groups gnomAD compares: Middle Eastern, 0.051%; no homozygotes.

Submission:

PreventionGenetics, part of Exact Sciences
Classification: Likely benign for HSPA9-related condition. Last evaluated: 2020-01-22. Review status: no assertion criteria provided. Collection method: clinical testing. Allele origin: germline.
Comment: This variant is classified as likely benign based on ACMG/AMP sequence variant interpretation guidelines (Richards et al. 2015 PMID: 25741868, with internal and published modifications).

NM_004134.7(HSPA9):c.78C>T (p.His26=)

Gene: HSPA9 (heat shock protein family A (Hsp70) member 9; minus strand). Cytogenetic location: 5q31.2.
Variant type: single nucleotide variant.
Coding change: c.78C>T on transcript NM_004134.7 (MANE Select); coding-DNA position 78, C replaced by T.
Protein change: p.His26=; no amino-acid change (histidine 26 retained).
Molecular consequence: synonymous variant.
Genome position (GRCh38, 1-based): chr5:138,575,241, G>A on the plus strand (C>T on the coding strand, the complement: HSPA9 is on the minus strand). VCF-style: chr5-138575241-G-A. GRCh37 (hg19) VCF-style: chr5-137910930-G-A.
Identifiers: ClinVar variation 3051866 (VCV003051866.2), dbSNP rs750445193, ClinGen allele CA3431254.